The following is an entry in ClinVar:

ClinVar aggregate classification (germline): Uncertain significance. Review status: criteria provided, multiple submitters, no conflicts (2 of 4 stars). 2 submissions from 2 submitters: Uncertain significance (2). Last evaluated 2025-01-24.

Allele frequency attached by ClinVar (database versions not stated): gnomAD exomes below 0.00001; TOPMed below 0.00001.
gnomAD v4.1: 3 of 1,607,964 alleles (0.00019%); highest among the groups gnomAD compares: Non-Finnish European, 0.00017%; no homozygotes.

Submissions (2):

Labcorp Genetics (formerly Invitae), Labcorp
Classification: Uncertain significance. Last evaluated: 2025-01-24. Review status: criteria provided, single submitter. Criteria: Invitae Variant Classification Sherloc (09022015). Collection method: clinical testing. Allele origin: germline.
Comment: This sequence change replaces threonine, which is neutral and polar, with serine, which is neutral and polar, at codon 379 of the LARS2 protein (p.Thr379Ser). This variant is not present in population databases (gnomAD no frequency). This variant has not been reported in the literature in individuals affected with LARS2-related conditions. ClinVar contains an entry for this variant (Variation ID: 1707732). Invitae Evidence Modeling of protein sequence and biophysical properties (such as structural, functional, and spatial information, amino acid conservation, physicochemical variation, residue mobility, and thermodynamic stability) indicates that this missense variant is not expected to disrupt LARS2 protein function with a negative predictive value of 80%. In summary, the available evidence is currently insufficient to determine the role of this variant in disease. Therefore, it has been classified as a Variant of Uncertain Significance.

GeneDx
Classification: Uncertain significance. Last evaluated: 2022-03-28. Review status: criteria provided, single submitter. Criteria: GeneDx Variant Classification Process June 2021. Collection method: clinical testing. Allele origin: germline. Affected: yes.
Comment: Not observed at significant frequency in large population cohorts (gnomAD); In silico analysis supports that this missense variant does not alter protein structure/function; Has not been previously published as pathogenic or benign to our knowledge

NM_015340.4(LARS2):c.1136C>G (p.Thr379Ser)

Genes: LARS2 (leucyl-tRNA synthetase 2, mitochondrial; plus strand), LARS2-AS1 (LARS2 antisense RNA 1; minus strand). Cytogenetic location: 3p21.31.
Variant type: single nucleotide variant.
Coding change: c.1136C>G on transcript NM_015340.4 (MANE Select); coding-DNA position 1136, C replaced by G.
Protein change: p.Thr379Ser; replaces threonine 379 with serine.
Molecular consequence: missense variant.
Genome position (GRCh38, 1-based): chr3:45,488,709, C>G. VCF-style: chr3-45488709-C-G. GRCh37 (hg19) VCF-style: chr3-45530201-C-G.
Other names: c.1136C>G, p.Thr379Ser (NM_001368263.1); short protein forms T379S.
Identifiers: ClinVar variation 1707732 (VCV001707732.3), dbSNP rs1446568763, ClinGen allele CA352425165.